The following is an entry in ClinVar:

NM_020708.5(SLC12A5):c.3222G>A (p.Met1074Ile)

Gene: SLC12A5 (solute carrier family 12 member 5; plus strand). Cytogenetic location: 20q13.12.
Variant type: single nucleotide variant.
Coding change: c.3222G>A on transcript NM_020708.5 (MANE Select); coding-DNA position 3222, G replaced by A.
Protein change: p.Met1074Ile; replaces methionine 1074 with isoleucine.
Molecular consequence: missense variant.
Genome position (GRCh38, 1-based): chr20:46,057,266, G>A. VCF-style: chr20-46057266-G-A. GRCh37 (hg19) VCF-style: chr20-44685905-G-A.
Other names: c.3291G>A, p.Met1097Ile (NM_001134771.2); short protein forms M1074I, M1097I.
Identifiers: ClinVar variation 842454 (VCV000842454.1), dbSNP rs2084704882, ClinGen allele CA409209879.

ClinVar aggregate classification (germline): Uncertain significance (1 of 4 stars; one submission).

Conditions:
Developmental and epileptic encephalopathy, 34 (DEE34). Also called: Early infantile epileptic encephalopathy 34; SLC12A5-Related Epilepsy of Infancy with Migrating Focal Seizures. Identifiers: Orphanet 293181, MedGen C4225257, MONDO:0014718, OMIM 616645.

Submission:

Labcorp Genetics (formerly Invitae), Labcorp
Classification: Uncertain significance for Early infantile epileptic encephalopathy 34. Last evaluated: 2019-12-27. Review status: criteria provided, single submitter. Criteria: Invitae Variant Classification Sherloc (09022015). Collection method: clinical testing. Allele origin: germline.
Comment: This sequence change replaces methionine with isoleucine at codon 1074 of the SLC12A5 protein (p.Met1074Ile). The methionine residue is moderately conserved and there is a small physicochemical difference between methionine and isoleucine. This variant is not present in population databases (ExAC no frequency). This variant has not been reported in the literature in individuals with SLC12A5-related conditions. Algorithms developed to predict the effect of missense changes on protein structure and function are either unavailable or do not agree on the potential impact of this missense change (SIFT: "Tolerated"; PolyPhen-2: "Possibly Damaging"; Align-GVGD: "Class C0"). In summary, the available evidence is currently insufficient to determine the role of this variant in disease. Therefore, it has been classified as a Variant of Uncertain Significance.